The following is an entry in ClinVar:

ClinVar aggregate classification (germline): Uncertain significance (1 of 4 stars; one submission).

Conditions:
Hereditary orotic aciduria, type 1. Also called: Orotic aciduria type 1; Oroticaciduria 1. Identifiers: MedGen C0268130.

Submission:

Labcorp Genetics (formerly Invitae), Labcorp
Classification: Uncertain significance for Hereditary orotic aciduria, type 1. Last evaluated: 2022-08-20. Review status: criteria provided, single submitter. Criteria: Invitae Variant Classification Sherloc (09022015). Collection method: clinical testing. Allele origin: germline.
Comment: This variant results in a copy number gain of the genomic region encompassing exon(s) 1-4 of the UMPS gene. This region includes the initiator codon of the gene. This copy number gain extends beyond the assayed region for this gene and therefore may encompass additional genes. As the precise location of this event is unknown, it may be in tandem or it may be located elsewhere in the genome. This variant has not been reported in the literature in individuals affected with UMPS-related conditions. Experimental studies and prediction algorithms are not available or were not evaluated, and the functional significance of this variant is currently unknown. In summary, the available evidence is currently insufficient to determine the role of this variant in disease. Therefore, it has been classified as a Variant of Uncertain Significance.

NC_000003.11:g.(?_124449319)_(124459066_?)dup

Gene: UMPS (uridine monophosphate synthetase; plus strand). Cytogenetic location: 3q21.2.
Variant type: Duplication.
Identifiers: ClinVar variation 2422977 (VCV002422977.3).